The following is an entry in ClinVar:

ClinVar aggregate classification (germline): Uncertain significance (1 of 4 stars; one submission).

Allele frequency attached by ClinVar (database versions not stated): gnomAD exomes below 0.00001; TOPMed below 0.00001.
gnomAD v4.1: 1 of 1,614,208 alleles (0.000062%); highest among the groups gnomAD compares: East Asian, 0.0022%; no homozygotes.

Submission:

Labcorp Genetics (formerly Invitae), Labcorp
Classification: Uncertain significance. Last evaluated: 2023-02-14. Review status: criteria provided, single submitter. Criteria: Invitae Variant Classification Sherloc (09022015). Collection method: clinical testing. Allele origin: germline.
Comment: This sequence change replaces glutamic acid, which is acidic and polar, with lysine, which is basic and polar, at codon 980 of the REST protein (p.Glu980Lys). This variant is present in population databases (rs140574038, gnomAD 0.006%). This variant has not been reported in the literature in individuals affected with REST-related conditions. An algorithm developed to predict the effect of missense changes on protein structure and function (PolyPhen-2) suggests that this variant is likely to be tolerated. In summary, the available evidence is currently insufficient to determine the role of this variant in disease. Therefore, it has been classified as a Variant of Uncertain Significance.

NM_005612.5(REST):c.2938G>A (p.Glu980Lys)

Gene: REST (RE1 silencing transcription factor; plus strand). Cytogenetic location: 4q12.
Variant type: single nucleotide variant.
Coding change: c.2938G>A on transcript NM_005612.5 (MANE Select); coding-DNA position 2938, G replaced by A.
Protein change: p.Glu980Lys; replaces glutamic acid 980 with lysine.
Molecular consequence: missense variant.
Genome position (GRCh38, 1-based): chr4:56,931,796, G>A. VCF-style: chr4-56931796-G-A. GRCh37 (hg19) VCF-style: chr4-57797962-G-A.
Other names: c.2938G>A, p.Glu980Lys (NM_001193508.2, NM_001363453.3); short protein forms E980K.
Identifiers: ClinVar variation 2811406 (VCV002811406.3), dbSNP rs140574038, ClinGen allele CA97637488.